The following is an entry in ClinVar:

ClinVar aggregate classification (germline): Likely benign. Review status: criteria provided, single submitter (1 of 4 stars). 2 submissions from 2 submitters: Likely benign (1). 1 of the submissions does not count toward it. Last evaluated 2026-01-05.

Conditions:
PCNT-related disorder. Also called: PCNT-related condition.

Allele frequency attached by ClinVar (database versions not stated): gnomAD 0.00003; TOPMed 0.00003.
gnomAD v4.1: 44 of 1,555,480 alleles (0.0028%); highest among the groups gnomAD compares: Middle Eastern, 0.15%; no homozygotes.

Submissions (2):

Labcorp Genetics (formerly Invitae), Labcorp
Classification: Likely benign. Last evaluated: 2026-01-05. Review status: criteria provided, single submitter. Criteria: Invitae Variant Classification Sherloc (09022015). Collection method: clinical testing. Allele origin: germline.

PreventionGenetics, part of Exact Sciences
Classification: Likely benign for PCNT-related condition. Last evaluated: 2023-12-01. Review status: no assertion criteria provided. Collection method: clinical testing. Allele origin: germline. Not counted in ClinVar's aggregate classification.
Comment: This variant is classified as likely benign based on ACMG/AMP sequence variant interpretation guidelines (Richards et al. 2015 PMID: 25741868, with internal and published modifications).

NM_006031.6(PCNT):c.7953G>A (p.Ala2651=)

Gene: PCNT (pericentrin; plus strand). Cytogenetic location: 21q22.3.
Variant type: single nucleotide variant.
Coding change: c.7953G>A on transcript NM_006031.6 (MANE Select); coding-DNA position 7953, G replaced by A.
Protein change: p.Ala2651=; no amino-acid change (alanine 2651 retained).
Molecular consequence: synonymous variant.
Genome position (GRCh38, 1-based): chr21:46,430,546, G>A. VCF-style: chr21-46430546-G-A. GRCh37 (hg19) VCF-style: chr21-47850460-G-A.
Other names: c.7953G>A (NM_006031.5); c.7599G>A, p.Ala2533= (NM_001315529.2).
Identifiers: ClinVar variation 1984771 (VCV001984771.6), dbSNP rs765368263, ClinGen allele CA10080845.